The following is an entry in ClinVar:

ClinVar aggregate classification (germline): Uncertain significance (1 of 4 stars; one submission).

Conditions:
Inborn genetic diseases. Identifiers: MedGen C0950123, MeSH D030342.

gnomAD v4.1: 1 of 1,614,124 alleles (0.000062%); highest among the groups gnomAD compares: Non-Finnish European, 0.000085%; no homozygotes.

Submission:

Ambry Genetics
Classification: Uncertain significance for Inborn genetic diseases. Last evaluated: 2026-07-24. Review status: criteria provided, single submitter. Criteria: Ambry Variant Classification Scheme 2023. Collection method: clinical testing. Allele origin: germline.
Comment: The p.S824C variant (also known as c.2471C>G), located in coding exon 15 of the CDH2 gene, results from a C to G substitution at nucleotide position 2471. The serine at codon 824 is replaced by cysteine, an amino acid with dissimilar properties. This amino acid position is conserved. In addition, this alteration is predicted to be deleterious by in silico analysis. Based on the available evidence, the clinical significance of this variant remains unclear.

NM_001792.5(CDH2):c.2471C>G (p.Ser824Cys)

Genes: CDH2 (cadherin 2; minus strand), CDH2-AS1 (CDH2 antisense RNA 1; plus strand). Cytogenetic location: 18q12.1.
Variant type: single nucleotide variant.
Coding change: c.2471C>G on transcript NM_001792.5 (MANE Select); coding-DNA position 2471, C replaced by G.
Protein change: p.Ser824Cys; replaces serine 824 with cysteine.
Molecular consequence: missense variant. On other transcripts: non-coding transcript variant (1).
Genome position (GRCh38, 1-based): chr18:27,963,400, G>C on the plus strand (C>G on the coding strand, the complement: CDH2 is on the minus strand). VCF-style: chr18-27963400-G-C. GRCh37 (hg19) VCF-style: chr18-25543364-G-C.
Other names: c.2378C>G, p.Ser793Cys (NM_001308176.2); short protein forms S824C, S793C.
Identifiers: ClinVar variation 5034031 (VCV005034031.1).